The following is an entry in ClinVar:

NM_175914.5(HNF4A):c.278G>C (p.Cys93Ser)

Gene: HNF4A (hepatocyte nuclear factor 4 alpha; plus strand). Cytogenetic location: 20q13.12.
Variant type: single nucleotide variant.
Coding change: c.278G>C on transcript NM_175914.5 (MANE Select); coding-DNA position 278, G replaced by C.
Protein change: p.Cys93Ser; replaces cysteine 93 with serine.
Molecular consequence: missense variant.
Genome position (GRCh38, 1-based): chr20:44,407,434, G>C. VCF-style: chr20-44407434-G-C. GRCh37 (hg19) VCF-style: chr20-43036074-G-C.
Other names: NM_175914.5:c.278G>C; c.344G>C, p.Cys115Ser (NM_000457.6, NM_178849.3, NM_178850.3); c.278G>C, p.Cys93Ser (NM_001030003.3, NM_001030004.3); c.323G>C, p.Cys108Ser (NM_001258355.2); c.269G>C, p.Cys90Ser (NM_001287182.2, NM_001287183.2, NM_001287184.2); short protein forms C108S, C115S, C90S, C93S.
Identifiers: ClinVar variation 3068527 (VCV003068527.1), dbSNP rs2515651025, ClinGen allele CA409104280.
Genomic context (GRCh38, chr20:44,407,434, plus strand): 5'-TCCCCAGATTTAGCCGGCAGTGCGTGGTGGACAAAGACAAGAGGAACCAGTGCCGCTACT[G>C]CAGGCTCAAGAAATGCTTCCGGGCTGGCATGAAGAAGGAAGGTGAGCCTCGGCCCTCCCC-3'
Protein context (NP_787110.2, residues 83-103): DKDKRNQCRY[Cys93Ser]RLKKCFRAGM

ClinVar aggregate classification (germline): Pathogenic (3 of 4 stars; one submission).

Conditions:
Monogenic diabetes. Identifiers: Orphanet 183625, MedGen C3888631, MONDO:0015967.

Submission:

ClinGen Monogenic Diabetes Variant Curation Expert Panel
Classification: Pathogenic for Monogenic diabetes. Last evaluated: 2024-04-05. Review status: reviewed by expert panel. Criteria: ClinGen Diabetes ACMG Specifications HNF4A V2.0.0. Collection method: curation. Allele origin: germline. Inheritance: Autosomal dominant inheritance.
Comment: The c.278G>C variant in the hepatocyte nuclear factor 4-alpha gene, HNF4A, causes an amino acid change of cysteine to serine at codon 93 (p.(Cys93Ser)) of NM_175914.5. This variant is absent in gnomAD v2.1.1 (PM2_Supporting). PMID: 20164212). This variant was identified as a de novo occurrence with confirmed parental relationships in this individual (PS2; PMID: 20164212). This variant resides in an amino acid within the HNF4A DNA binding domain that directly binds DNA and is necessary for zinc finger formation which is defined as critical for the protein’s function by the ClinGen MDEP (PM1). It is also predicted to be deleterious by computational evidence, with a REVEL score of 0.986, which is greater than the MDEP VCEP threshold of 0.70 (PP3). In summary, c.278G>C meets the criteria to be classified as pathogenic for monogenic diabetes. ACMG/AMP criteria applied, as specified by the ClinGen MDEP (specification version 2.0.0, approved 10/11/23): PS2, PP4_Moderate, PM1, PP3, PM2_Supporting.